The following is an entry in ClinVar:

NM_000183.3(HADHB):c.1061+3A>G

Gene: HADHB (hydroxyacyl-CoA dehydrogenase trifunctional multienzyme complex subunit beta; plus strand). Cytogenetic location: 2p23.3.
Variant type: single nucleotide variant.
Coding change: c.1061+3A>G on transcript NM_000183.3 (MANE Select); 3 bases into the intron after coding-DNA position 1061, A replaced by G.
Molecular consequence: intron variant.
Genome position (GRCh38, 1-based): chr2:26,283,054, A>G. VCF-style: chr2-26283054-A-G. GRCh37 (hg19) VCF-style: chr2-26505922-A-G.
Other names: c.995+3A>G (NM_001281513.2); c.1016+3A>G (NM_001281512.2).
Identifiers: ClinVar variation 2163966 (VCV002163966.1), dbSNP rs1458976891, ClinGen allele CA531394642.
Genomic context (GRCh38, chr2:26,283,054, plus strand): 5'-TTTTACCTAGGGATTTTATGTATGTGTCTCAGGATCCAAAAGATCAACTATTACTTGGGT[A>G]GGTAGCAGTTTGTATCCTTGGACTATAATCACAAGTATTTGATTGCCTATGTTTTATTAT-3'

ClinVar aggregate classification (germline): Uncertain significance (1 of 4 stars; one submission).

Conditions:
Mitochondrial trifunctional protein deficiency. Identifiers: Orphanet 746, MedGen C1969443, MONDO:0012172.

Allele frequency attached by ClinVar (database versions not stated): gnomAD exomes below 0.00001.
gnomAD v4.1: 2 of 1,596,592 alleles (0.00013%); highest among the groups gnomAD compares: Admixed American, 0.0017%; no homozygotes.

Submission:

Labcorp Genetics (formerly Invitae), Labcorp
Classification: Uncertain significance for Mitochondrial trifunctional protein deficiency. Last evaluated: 2022-05-08. Review status: criteria provided, single submitter. Criteria: Invitae Variant Classification Sherloc (09022015). Collection method: clinical testing. Allele origin: germline.
Comment: This sequence change falls in intron 12 of the HADHB gene. It does not directly change the encoded amino acid sequence of the HADHB protein. It affects a nucleotide within the consensus splice site. This variant is present in population databases (no rsID available, gnomAD 0.003%). This variant has not been reported in the literature in individuals affected with HADHB-related conditions. Variants that disrupt the consensus splice site are a relatively common cause of aberrant splicing (PMID: 17576681, 9536098). Algorithms developed to predict the effect of sequence changes on RNA splicing suggest that this variant may disrupt the consensus splice site. In summary, the available evidence is currently insufficient to determine the role of this variant in disease. Therefore, it has been classified as a Variant of Uncertain Significance.

Literature cited by the submitters: PubMed 17576681; PubMed 9536098.